The following is an entry in ClinVar:

NM_138694.4(PKHD1):c.840A>C (p.Thr280=)

Gene: PKHD1 (PKHD1 ciliary IPT domain containing fibrocystin/polyductin; minus strand). Cytogenetic location: 6p12.2.
Variant type: single nucleotide variant.
Coding change: c.840A>C on transcript NM_138694.4 (MANE Select); coding-DNA position 840, A replaced by C.
Protein change: p.Thr280=; no amino-acid change (threonine 280 retained).
Molecular consequence: synonymous variant.
Genome position (GRCh38, 1-based): chr6:52,066,016, T>G on the plus strand (A>C on the coding strand, the complement: PKHD1 is on the minus strand). VCF-style: chr6-52066016-T-G. GRCh37 (hg19) VCF-style: chr6-51930814-T-G.
Other names: c.840A>C (NM_138694.3); c.840A>C, p.Thr280= (NM_170724.3).
Identifiers: ClinVar variation 1611784 (VCV001611784.9), dbSNP rs1461472339, ClinGen allele CA450421318.

ClinVar aggregate classification (germline): Likely benign. Review status: criteria provided, multiple submitters, no conflicts (2 of 4 stars). 2 submissions from 2 submitters: Likely benign (2). Last evaluated 2025-09-25.

Conditions:
Autosomal recessive polycystic kidney disease (ARPKD). Also called: AR polycystic kidney disease. Identifiers: Orphanet 731, Orphanet 8378, MedGen C0085548, MeSH D017044, MONDO:0009889.
PKHD1-related disorder. Also called: PKHD1-related condition.

Allele frequency attached by ClinVar (database versions not stated): gnomAD exomes below 0.00001.
gnomAD v4.1: 2 of 1,603,214 alleles (0.00012%); highest among the groups gnomAD compares: Admixed American, 0.0017%; no homozygotes.

Submissions (2):

PreventionGenetics, part of Exact Sciences
Classification: Likely benign for PKHD1-related condition. Last evaluated: 2025-09-25. Review status: criteria provided, single submitter. Criteria: ACMG Guidelines, 2015. Collection method: clinical testing. Allele origin: germline.
Comment: This variant is classified as likely benign based on ACMG/AMP sequence variant interpretation guidelines (Richards et al. 2015 PMID: 25741868, with internal and published modifications).

Labcorp Genetics (formerly Invitae), Labcorp
Classification: Likely benign for Autosomal recessive polycystic kidney disease. Last evaluated: 2023-05-01. Review status: criteria provided, single submitter. Criteria: Invitae Variant Classification Sherloc (09022015). Collection method: clinical testing. Allele origin: germline.